The following is an entry in ClinVar:

NM_003239.5(TGFB3):c.289G>A (p.Glu97Lys)

Gene: TGFB3 (transforming growth factor beta 3; minus strand). Cytogenetic location: 14q24.3.
Variant type: single nucleotide variant.
Coding change: c.289G>A on transcript NM_003239.5 (MANE Select); coding-DNA position 289, G replaced by A.
Protein change: p.Glu97Lys; replaces glutamic acid 97 with lysine.
Molecular consequence: missense variant.
Genome position (GRCh38, 1-based): chr14:75,980,605, C>T on the plus strand (G>A on the coding strand, the complement: TGFB3 is on the minus strand). VCF-style: chr14-75980605-C-T. GRCh37 (hg19) VCF-style: chr14-76446948-C-T.
Other names: c.289G>A, p.Glu97Lys (NM_001329938.2, NM_001329939.2); short protein forms E97K.
Identifiers: ClinVar variation 496205 (VCV000496205.17), dbSNP rs769627183, ClinGen allele CA7280482.

ClinVar aggregate classification (germline): Conflicting classifications of pathogenicity. Review status: criteria provided, conflicting classifications (1 of 4 stars). 4 submissions from 4 submitters: Uncertain significance (3); Likely benign (1). Last evaluated 2025-10-09.

Conditions:
Familial thoracic aortic aneurysm and aortic dissection (TAAD). Also called: Thoracic aortic aneurysms and dissections. Identifiers: Orphanet 91387, MedGen C4707243, MONDO:0019625.
Rienhoff syndrome. Also called: LOEYS-DIETZ SYNDROME 5. Identifiers: MedGen C3810012, MONDO:0014262, OMIM 615582.

Allele frequency attached by ClinVar (database versions not stated): ExAC 0.00001; gnomAD 0.00001; gnomAD exomes 0.00001.
gnomAD v4.1: 14 of 1,614,108 alleles (0.00087%); highest among the groups gnomAD compares: South Asian, 0.0044%; no homozygotes.

Submissions (4):

Labcorp Genetics (formerly Invitae), Labcorp
Classification: Uncertain significance for Rienhoff syndrome. Last evaluated: 2025-10-09. Review status: criteria provided, single submitter. Criteria: Invitae Variant Classification Sherloc (09022015). Collection method: clinical testing. Allele origin: germline.
Comment: This sequence change replaces glutamic acid, which is acidic and polar, with lysine, which is basic and polar, at codon 97 of the TGFB3 protein (p.Glu97Lys). This variant is present in population databases (rs769627183, gnomAD 0.006%). This variant has not been reported in the literature in individuals affected with TGFB3-related conditions. ClinVar contains an entry for this variant (Variation ID: 496205). An algorithm developed to predict the effect of missense changes on protein structure and function (PolyPhen-2) suggests that this variant is likely to be disruptive. In summary, the available evidence is currently insufficient to determine the role of this variant in disease. Therefore, it has been classified as a Variant of Uncertain Significance.

CeGaT Center for Human Genetics Tuebingen
Classification: Likely benign. Last evaluated: 2025-03-01. Review status: criteria provided, single submitter. Criteria: CeGaT Center For Human Genetics Tuebingen Variant Classification Criteria Version 2. Collection method: clinical testing. Allele origin: germline. Affected: yes. Observed: 1 variant allele.
Comment: TGFB3: BS2

Ambry Genetics
Classification: Uncertain significance for Familial thoracic aortic aneurysm and aortic dissection. Last evaluated: 2023-08-11. Review status: criteria provided, single submitter. Criteria: Ambry Variant Classification Scheme 2023. Collection method: clinical testing. Allele origin: germline.
Comment: The p.E97K variant (also known as c.289G>A), located in coding exon 1 of the TGFB3 gene, results from a G to A substitution at nucleotide position 289. The glutamic acid at codon 97 is replaced by lysine, an amino acid with similar properties. This amino acid position is conserved. In addition, this alteration is predicted to be tolerated by in silico analysis. Since supporting evidence is limited at this time, the clinical significance of this alteration remains unclear.

Women's Health and Genetics/Laboratory Corporation of America, LabCorp
Classification: Uncertain significance. Last evaluated: 2016-06-08. Review status: criteria provided, single submitter. Criteria: LabCorp Variant Classification Summary - May 2015. Collection method: clinical testing. Allele origin: germline.
Comment: Variant summary: The TGFB3 c.289G>A (p.Glu97Lys) variant involves the alteration of a conserved nucleotide. 2/4 in silico tools predict a benign outcome (SNPs&GO not captured due to low reliability index). This variant was found in 1/121412 control chromosomes at a frequency of 0.0000082, which does not exceed the estimated maximal expected allele frequency of a pathogenic TGFB3 variant (0.00001). The variant of interest has not, to our knowledge, been reported in affected individuals via publications and/or reputable databases/clinical diagnostic laboratories; nor evaluated for functional impact by in vivo/vitro studies. Because of the absence of clinical information and the lack of functional studies, the variant is currently classified as a variant of uncertain significance (VUS) until additional information becomes available.